The following is an entry in ClinVar:

NM_000095.3(COMP):c.1285_1286dup (p.Cys430fs)

Gene: COMP (cartilage oligomeric matrix protein; minus strand). Cytogenetic location: 19p13.11.
Variant type: Duplication.
Coding change: c.1285_1286dup on transcript NM_000095.3 (MANE Select); coding-DNA positions 1285 to 1286, 2 bases duplicated (GC; older notation c.1285_1286dupGC).
Protein change: p.Cys430fs; shifts the reading frame from cysteine 430.
Molecular consequence: frameshift variant.
Genome position (GRCh38, 1-based): chr19:18,786,260-18,786,261, GC duplicated on the plus strand (GC on the coding strand, the reverse complement: COMP is on the minus strand). VCF-style (leftmost placement, unchanged base first): chr19-18786259-A-AGC. GRCh37 (hg19) VCF-style: chr19-18897069-A-AGC.
Other names: short protein forms C430fs.
Identifiers: ClinVar variation 2431670 (VCV002431670.1), dbSNP rs1381753169, ClinGen allele CA783972949.

ClinVar aggregate classification (germline): Uncertain significance (1 of 4 stars; one submission).

Conditions:
Multiple epiphyseal dysplasia type 1. Also called: COMP-Related Multiple Epiphyseal Dysplasia. Identifiers: Orphanet 93308, MedGen C1838280, MONDO:0007561, OMIM 132400.

Allele frequency attached by ClinVar (database versions not stated): TOPMed below 0.00001; gnomAD 0.00001.

Submission:

Laboratorio de Genetica e Diagnostico Molecular, Hospital Israelita Albert Einstein
Classification: Uncertain significance for Multiple epiphyseal dysplasia type 1. Last evaluated: 2022-11-29. Review status: criteria provided, single submitter. Criteria: ACMG Guidelines, 2015. Collection method: clinical testing. Allele origin: germline. Affected: yes. Observed: 1 variant allele.
Comment: ACMG classification criteria: PVS1 moderated, PM2 supporting